The following is an entry in ClinVar:

ClinVar aggregate classification (germline): Uncertain significance. Review status: criteria provided, multiple submitters, no conflicts (2 of 4 stars). 2 submissions from 2 submitters: Uncertain significance (2). Last evaluated 2024-06-15.

Conditions:
Congenital glucose-galactose malabsorption (GGM). Also called: MONOSACCHARIDE MALABSORPTION; DIARRHEA 16. Identifiers: Orphanet 35710, MedGen C0268186, MONDO:0011731, OMIM 606824.

Allele frequency attached by ClinVar (database versions not stated): gnomAD 0.00001 and 0.00002; gnomAD exomes 0.00001 and 0.00002; TOPMed 0.00001; ExAC 0.00002.
gnomAD v4.1: 20 of 1,603,406 alleles (0.0012%); highest among the groups gnomAD compares: South Asian, 0.011%; no homozygotes.

Submissions (2):

Fulgent Genetics
Classification: Uncertain significance for Congenital glucose-galactose malabsorption. Last evaluated: 2024-06-15. Review status: criteria provided, single submitter. Criteria: ACMG Guidelines, 2015. Collection method: clinical testing. Allele origin: germline.

Labcorp Genetics (formerly Invitae), Labcorp
Classification: Uncertain significance for Congenital glucose-galactose malabsorption. Last evaluated: 2021-03-08. Review status: criteria provided, single submitter. Criteria: Invitae Variant Classification Sherloc (09022015). Collection method: clinical testing. Allele origin: germline.
Comment: This sequence change replaces asparagine with serine at codon 376 of the SLC5A1 protein (p.Asn376Ser). The asparagine residue is highly conserved and there is a small physicochemical difference between asparagine and serine. This variant is present in population databases (rs779179648, ExAC 0.01%). This variant has not been reported in the literature in individuals with SLC5A1-related conditions. Algorithms developed to predict the effect of missense changes on protein structure and function are either unavailable or do not agree on the potential impact of this missense change (SIFT: "Deleterious"; PolyPhen-2: "Benign"; Align-GVGD: "Class C15"). In summary, the available evidence is currently insufficient to determine the role of this variant in disease. Therefore, it has been classified as a Variant of Uncertain Significance.

NM_000343.4(SLC5A1):c.1127A>G (p.Asn376Ser)

Gene: SLC5A1 (solute carrier family 5 member 1; plus strand). Cytogenetic location: 22q12.3.
Variant type: single nucleotide variant.
Coding change: c.1127A>G on transcript NM_000343.4 (MANE Select); coding-DNA position 1127, A replaced by G.
Protein change: p.Asn376Ser; replaces asparagine 376 with serine.
Molecular consequence: missense variant.
Genome position (GRCh38, 1-based): chr22:32,086,325, A>G. VCF-style: chr22-32086325-A-G. GRCh37 (hg19) VCF-style: chr22-32482312-A-G.
Other names: c.746A>G, p.Asn249Ser (NM_001256314.2); short protein forms N376S, N249S.
Identifiers: ClinVar variation 1500925 (VCV001500925.9), dbSNP rs779179648, ClinGen allele CA10198150.